The following is an entry in ClinVar:

ClinVar aggregate classification (germline): Uncertain significance (1 of 4 stars; one submission).

Conditions:
PLXNA4-related disorder. Also called: PLXNA4-related condition.

Submission:

PreventionGenetics, part of Exact Sciences
Classification: Uncertain significance for PLXNA4-related condition. Last evaluated: 2024-12-10. Review status: criteria provided, single submitter. Criteria: ACMG Guidelines, 2015. Collection method: clinical testing. Allele origin: germline.
Comment: The PLXNA4 c.1450G>T variant is predicted to result in the amino acid substitution p.Ala484Ser. To our knowledge, this variant has not been reported in the literature. This variant is reported in 0.0099% of alleles in individuals of Ashkenazi Jewish descent in gnomAD. At this time, the clinical significance of this variant is uncertain due to the absence of conclusive functional and genetic evidence.

NM_020911.2(PLXNA4):c.1371+4357G>T

Gene: PLXNA4 (plexin A4; minus strand). Cytogenetic location: 7q32.3.
Variant type: single nucleotide variant.
Coding change: c.1371+4357G>T on transcript NM_020911.2 (MANE Select); 4357 bases into the intron after coding-DNA position 1371, G replaced by T.
Molecular consequence: intron variant. On other transcripts: missense variant (1).
Genome position (GRCh38, 1-based): chr7:132,484,935, C>A on the plus strand (G>T on the coding strand, the complement: PLXNA4 is on the minus strand). VCF-style: chr7-132484935-C-A. GRCh37 (hg19) VCF-style: chr7-132169694-C-A.
Other names: c.1450G>T, p.Ala484Ser (NM_181775.4); c.1371+4357G>T (NM_001393897.1, NM_001105543.2); short protein forms A484S.
Identifiers: ClinVar variation 4983403 (VCV004983403.1).